The following is an entry in ClinVar:

ClinVar aggregate classification (germline): other (1 of 4 stars; one submission).

Conditions:
Cholesteatoma of middle ear. Identifiers: MedGen C0155490, MeSH D018424, MONDO:0006533.

Allele frequency attached by ClinVar (database versions not stated): gnomAD exomes below 0.00001; ExAC 0.00001; TOPMed 0.00001.
gnomAD v4.1: 5 of 1,612,630 alleles (0.00031%); highest among the groups gnomAD compares: South Asian, 0.0011%; no homozygotes.

Submission:

Department of Human Genetics, Nagasaki University
Classification: other for Cholesteatoma of middle ear. Review status: criteria provided, single submitter. Criteria: AMP Guidelines, 2017. Collection method: research. Allele origin: somatic. Affected: yes. Observed: 1 variant allele.
Comment: variant allele frequency in tumor is 0.208 (49/236)

NM_017617.5(NOTCH1):c.1412T>C (p.Ile471Thr)

Gene: NOTCH1 (notch receptor 1; minus strand). Cytogenetic location: 9q34.3.
Variant type: single nucleotide variant.
Coding change: c.1412T>C on transcript NM_017617.5 (MANE Select); coding-DNA position 1412, T replaced by C.
Protein change: p.Ile471Thr; replaces isoleucine 471 with threonine.
Molecular consequence: missense variant.
Genome position (GRCh38, 1-based): chr9:136,517,781, A>G on the plus strand (T>C on the coding strand, the complement: NOTCH1 is on the minus strand). VCF-style: chr9-136517781-A-G. GRCh37 (hg19) VCF-style: chr9-139412233-A-G.
Other names: short protein forms I471T.
Identifiers: ClinVar variation 2413169 (VCV002413169.1), dbSNP rs753964476, ClinGen allele CA5341814.